The following is an entry in ClinVar:

NM_000143.4(FH):c.1165G>A (p.Gly389Arg)

Gene: FH (fumarate hydratase; minus strand). Cytogenetic location: 1q43.
Variant type: single nucleotide variant.
Coding change: c.1165G>A on transcript NM_000143.4 (MANE Select); coding-DNA position 1165, G replaced by A.
Protein change: p.Gly389Arg; replaces glycine 389 with arginine.
Molecular consequence: missense variant.
Genome position (GRCh38, 1-based): chr1:241,502,514, C>T on the plus strand (G>A on the coding strand, the complement: FH is on the minus strand). VCF-style: chr1-241502514-C-T. GRCh37 (hg19) VCF-style: chr1-241665814-C-T.
Other names: short protein forms G389R.
Identifiers: ClinVar variation 1738105 (VCV001738105.4), dbSNP rs2527316660, ClinGen allele CA345437462.

ClinVar aggregate classification (germline): Likely pathogenic. Review status: criteria provided, multiple submitters, no conflicts (2 of 4 stars). 2 submissions from 2 submitters: Likely pathogenic (2). Last evaluated 2025-06-01.

Conditions:
Hereditary cancer-predisposing syndrome. Also called: Neoplastic Syndromes, Hereditary; Tumor predisposition; Hereditary Cancer Syndrome; Hereditary neoplastic syndrome. Identifiers: Orphanet 140162, MedGen C0027672, MeSH D009386, MONDO:0015356.

Submissions (2):

Labcorp Genetics (formerly Invitae), Labcorp
Classification: Likely pathogenic. Last evaluated: 2025-06-01. Review status: criteria provided, single submitter. Criteria: Invitae Variant Classification Sherloc (09022015). Collection method: clinical testing. Allele origin: germline.
Comment: This sequence change replaces glycine, which is neutral and non-polar, with arginine, which is basic and polar, at codon 389 of the FH protein (p.Gly389Arg). This variant is not present in population databases (gnomAD no frequency). This missense change has been observed in individual(s) with autosomal dominant FH-related conditions (internal data). ClinVar contains an entry for this variant (Variation ID: 1738105). Invitae Evidence Modeling of protein sequence and biophysical properties (such as structural, functional, and spatial information, amino acid conservation, physicochemical variation, residue mobility, and thermodynamic stability) indicates that this missense variant is expected to disrupt FH protein function with a positive predictive value of 95%. In summary, the currently available evidence indicates that the variant is pathogenic, but additional data are needed to prove that conclusively. Therefore, this variant has been classified as Likely Pathogenic.

Ambry Genetics
Classification: Likely pathogenic for Hereditary cancer-predisposing syndrome. Last evaluated: 2020-03-30. Review status: criteria provided, single submitter. Criteria: Ambry Variant Classification Scheme 2023. Collection method: clinical testing. Allele origin: germline.
Comment: The p.G389R variant (also known as c.1165G>A), located in coding exon 8 of the FH gene, results from a G to A substitution at nucleotide position 1165. The glycine at codon 389 is replaced by arginine, an amino acid with dissimilar properties. This variant was not reported in population-based cohorts in the Genome Aggregation Database (gnomAD). Based on internal structural analysis, this variant is anticipated to disrupt functionally active formation of the homotetramer complex of FH. This amino acid position is highly conserved in available vertebrate species. In addition, this alteration is predicted to be deleterious by in silico analysis. Based on the majority of available evidence to date, this variant is likely to be pathogenic.